The following is an entry in ClinVar:

NM_018979.4(WNK1):c.2328G>T (p.Gln776His)

Gene: WNK1 (WNK lysine deficient protein kinase 1; plus strand). Cytogenetic location: 12p13.33.
Variant type: single nucleotide variant.
Coding change: c.2328G>T on transcript NM_018979.4 (MANE Select); coding-DNA position 2328, G replaced by T.
Protein change: p.Gln776His; replaces glutamine 776 with histidine.
Molecular consequence: missense variant.
Genome position (GRCh38, 1-based): chr12:878,316, G>T. VCF-style: chr12-878316-G-T. GRCh37 (hg19) VCF-style: chr12-987482-G-T.
Other names: c.3567G>T, p.Gln1189His (NM_001184985.2); c.2325G>T, p.Gln775His (NM_014823.3); c.3822G>T, p.Gln1274His (NM_213655.5); short protein forms Q1189H, Q776H, Q775H, Q1274H.
Identifiers: ClinVar variation 4788897 (VCV004788897.1).
Genomic context (GRCh38, chr12:878,316, plus strand): 5'-GTATTCACTTTCACAGACATCAACCTCCAGTGAGGCCACTACTGCACAGCCAGTGAGTCA[G>T]CCTCAAGCTCCACAAGTCTTGCCTCAAGTATCAGCTGGAAAACAGGTAAACTTTTTTTTT-3'
Protein context (NP_061852.3, residues 766-786): SEATTAQPVS[Gln776His]PQAPQVLPQV

ClinVar aggregate classification (germline): Uncertain significance (1 of 4 stars; one submission).

Conditions:
Neuropathy, hereditary sensory and autonomic, type 2A (HSAN2A). Also called: WNK1-Related HSAN2 (HSAN2A); ACROOSTEOLYSIS, GIACCAI TYPE; ACROOSTEOLYSIS, NEUROGENIC; MORVAN DISEASE; NEUROPATHY, CONGENITAL SENSORY; NEUROPATHY, HEREDITARY SENSORY RADICULAR, AUTOSOMAL RECESSIVE. Identifiers: Orphanet 970, MedGen C2752089, MONDO:0024309, OMIM 201300.
Pseudohypoaldosteronism type 2C (PHA2C). Also called: Pseudohypoaldosteronism Type IIC. Identifiers: Orphanet 757, Orphanet 88940, MedGen C1840391, MONDO:0013778, OMIM 614492.

gnomAD v4.1: 32 of 1,613,688 alleles (0.002%); highest among the groups gnomAD compares: Non-Finnish European, 0.0027%; no homozygotes.

Submission:

Labcorp Genetics (formerly Invitae), Labcorp
Classification: Uncertain significance for Neuropathy, hereditary sensory and autonomic, type 2A; Pseudohypoaldosteronism type 2C. Last evaluated: 2025-10-27. Review status: criteria provided, single submitter. Criteria: Invitae Variant Classification Sherloc (09022015). Collection method: clinical testing. Allele origin: germline.
Comment: This sequence change replaces glutamine, which is neutral and polar, with histidine, which is basic and polar, at codon 1274 of the WNK1 protein (p.Gln1274His). This variant is present in population databases (rs1012729, gnomAD 0.002%). This variant has not been reported in the literature in individuals affected with WNK1-related conditions. Invitae Evidence Modeling of protein sequence and biophysical properties (such as structural, functional, and spatial information, amino acid conservation, physicochemical variation, residue mobility, and thermodynamic stability) indicates that this missense variant is not expected to disrupt WNK1 protein function with a negative predictive value of 95%. In summary, the available evidence is currently insufficient to determine the role of this variant in disease. Therefore, it has been classified as a Variant of Uncertain Significance.